The following is an entry in ClinVar:

ClinVar aggregate classification (germline): Uncertain significance (1 of 4 stars; one submission).

Conditions:
Hereditary cancer-predisposing syndrome. Also called: Neoplastic Syndromes, Hereditary; Tumor predisposition; Hereditary Cancer Syndrome; Hereditary neoplastic syndrome. Identifiers: Orphanet 140162, MedGen C0027672, MeSH D009386, MONDO:0015356.

Submission:

Ambry Genetics
Classification: Uncertain significance for Hereditary cancer-predisposing syndrome. Last evaluated: 2025-08-28. Review status: criteria provided, single submitter. Criteria: Ambry Variant Classification Scheme 2023. Collection method: clinical testing. Allele origin: germline.
Comment: The p.S202R variant (also known as c.606T>G), located in coding exon 1 of the AXIN2 gene, results from a T to G substitution at nucleotide position 606. The serine at codon 202 is replaced by arginine, an amino acid with dissimilar properties. This amino acid position is conserved. In addition, the in silico prediction for this alteration is inconclusive. Based on the available evidence, the clinical significance of this variant remains unclear.

NM_004655.4(AXIN2):c.606T>G (p.Ser202Arg)

Gene: AXIN2 (axin 2; minus strand). Cytogenetic location: 17q24.1.
Variant type: single nucleotide variant.
Coding change: c.606T>G on transcript NM_004655.4 (MANE Select); coding-DNA position 606, T replaced by G.
Protein change: p.Ser202Arg; replaces serine 202 with arginine.
Molecular consequence: missense variant.
Genome position (GRCh38, 1-based): chr17:65,558,015, A>C on the plus strand (T>G on the coding strand, the complement: AXIN2 is on the minus strand). VCF-style: chr17-65558015-A-C. GRCh37 (hg19) VCF-style: chr17-63554133-A-C.
Other names: c.606T>G, p.Ser202Arg (NM_001363813.1); short protein forms S202R.
Identifiers: ClinVar variation 4188504 (VCV004188504.1).